The following is an entry in ClinVar:

ClinVar aggregate classification (germline): Benign. Review status: criteria provided, single submitter (1 of 4 stars). 2 submissions from 2 submitters: Benign (1). 1 of the submissions does not count toward it. Last evaluated 2025-12-03.

Conditions:
SERPINC1-related disorder. Also called: SERPINC1-related condition.
Hereditary antithrombin deficiency (AT3D). Also called: Antithrombin III deficiency; Thrombophilia due to antithrombin III deficiency; Reduced antithrombin III activity; Antithrombin deficiency. Identifiers: Orphanet 82, MedGen C0272375, MONDO:0013144, OMIM 613118, HP:0001976.

gnomAD v4.1: 35 of 1,613,738 alleles (0.0022%); highest among the groups gnomAD compares: Admixed American, 0.057%; no homozygotes.

Submissions (2):

Labcorp Genetics (formerly Invitae), Labcorp
Classification: Benign for Hereditary antithrombin deficiency. Last evaluated: 2025-12-03. Review status: criteria provided, single submitter. Criteria: Invitae Variant Classification Sherloc (09022015). Collection method: clinical testing. Allele origin: germline.

PreventionGenetics, part of Exact Sciences
Classification: Likely benign for SERPINC1-related condition. Last evaluated: 2019-09-26. Review status: no assertion criteria provided. Collection method: clinical testing. Allele origin: germline. Not counted in ClinVar's aggregate classification.
Comment: This variant is classified as likely benign based on ACMG/AMP sequence variant interpretation guidelines (Richards et al. 2015 PMID: 25741868, with internal and published modifications).

NM_000488.4(SERPINC1):c.693C>G (p.Thr231=)

Gene: SERPINC1 (serpin family C member 1; minus strand). Cytogenetic location: 1q25.1.
Variant type: single nucleotide variant.
Coding change: c.693C>G on transcript NM_000488.4 (MANE Select); coding-DNA position 693, C replaced by G.
Protein change: p.Thr231=; no amino-acid change (threonine 231 retained).
Molecular consequence: synonymous variant.
Genome position (GRCh38, 1-based): chr1:173,910,823, G>C on the plus strand (C>G on the coding strand, the complement: SERPINC1 is on the minus strand). VCF-style: chr1-173910823-G-C. GRCh37 (hg19) VCF-style: chr1-173879961-G-C.
Other names: c.693C>G, p.Thr231= (NM_001386304.1, NM_001386305.1, NM_001386302.1); c.477C>G, p.Thr159= (NM_001386306.1); c.693C>G (NM_000488.3); c.549C>G, p.Thr183= (NM_001365052.2); c.774C>G, p.Thr258= (NM_001386303.1).
Identifiers: ClinVar variation 1599195 (VCV001599195.10), dbSNP rs140452859, ClinGen allele CA1251364.